The following is an entry in ClinVar:

ClinVar aggregate classification (germline): Uncertain significance (1 of 4 stars; one submission).

Conditions:
Nephronophthisis 14 (NPHP14). Identifiers: Orphanet 2318, MedGen C3539071, MONDO:0013916, OMIM 614844.

Allele frequency attached by ClinVar (database versions not stated): gnomAD exomes 0.00001.
gnomAD v4.1: 9 of 1,614,212 alleles (0.00056%); highest among the groups gnomAD compares: Non-Finnish European, 0.00076%; no homozygotes.

Submission:

Labcorp Genetics (formerly Invitae), Labcorp
Classification: Uncertain significance for Nephronophthisis 14. Last evaluated: 2019-10-28. Review status: criteria provided, single submitter. Criteria: Invitae Variant Classification Sherloc (09022015). Collection method: clinical testing. Allele origin: germline.
Comment: This sequence change replaces threonine with serine at codon 431 of the ZNF423 protein (p.Thr431Ser). The threonine residue is highly conserved and there is a small physicochemical difference between threonine and serine. This variant is not present in population databases (ExAC no frequency). This variant has not been reported in the literature in individuals with ZNF423-related conditions. Algorithms developed to predict the effect of missense changes on protein structure and function are either unavailable or do not agree on the potential impact of this missense change (SIFT: "Tolerated"; PolyPhen-2: "Possibly Damaging"; Align-GVGD: "Class C0"). In summary, the available evidence is currently insufficient to determine the role of this variant in disease. Therefore, it has been classified as a Variant of Uncertain Significance.

NM_001379286.1(ZNF423):c.1316C>G (p.Thr439Ser)

Gene: ZNF423 (zinc finger protein 423; minus strand). Cytogenetic location: 16q12.1.
Variant type: single nucleotide variant.
Coding change: c.1316C>G on transcript NM_001379286.1 (MANE Select); coding-DNA position 1316, C replaced by G.
Protein change: p.Thr439Ser; replaces threonine 439 with serine.
Molecular consequence: missense variant.
Genome position (GRCh38, 1-based): chr16:49,637,860, G>C on the plus strand (C>G on the coding strand, the complement: ZNF423 is on the minus strand). VCF-style: chr16-49637860-G-C. GRCh37 (hg19) VCF-style: chr16-49671771-G-C.
Other names: c.1112C>G, p.Thr371Ser (NM_001271620.2); c.941C>G, p.Thr314Ser (NM_001330533.2); c.1292C>G, p.Thr431Ser (NM_015069.5); short protein forms T371S, T314S, T431S, T439S.
Identifiers: ClinVar variation 964400 (VCV000964400.8), dbSNP rs1455163436, ClinGen allele CA395849868.